The following is an entry in ClinVar:

ClinVar aggregate classification (germline): Benign (1 of 4 stars; one submission).

Conditions:
Pseudohypoaldosteronism type 2E (PHA2E). Also called: Pseudohypoaldosteronism Type IIE. Identifiers: Orphanet 300530, Orphanet 757, MedGen C3469606, MONDO:0013782, OMIM 614496.

Allele frequency attached by ClinVar (database versions not stated): gnomAD exomes 0.00003; gnomAD 0.00033 and 0.00036; TOPMed 0.00036; 1000 Genomes Project 0.00120; 1000 Genomes Project 30x 0.00141.
gnomAD v4.1: 55 of 222,508 alleles (0.025%); highest among the groups gnomAD compares: African/African-American, 0.11%; no homozygotes.

Submission:

Illumina Laboratory Services, Illumina
Classification: Benign for Pseudohypoaldosteronism type 2E. Last evaluated: 2018-01-13. Review status: criteria provided, single submitter. Criteria: ICSL Variant Classification Criteria 13 December 2019. Collection method: clinical testing. Allele origin: germline.
Comment: This variant was observed in the ICSL laboratory as part of a predisposition screen in an ostensibly healthy population. It had not been previously curated by ICSL or reported in the Human Gene Mutation Database (HGMD: prior to June 1st, 2018), and was therefore a candidate for classification through an automated scoring system. Utilizing variant allele frequency, disease prevalence and penetrance estimates, and inheritance mode, an automated score was calculated to assess if this variant is too frequent to cause the disease. Based on the score and internal cut-off values, a variant classified as benign is not then subjected to further curation. The score for this variant resulted in a classification of benign for this disease.

NM_003590.5(CUL3):c.*3973T>A

Gene: CUL3 (cullin 3; minus strand). Cytogenetic location: 2q36.2.
Variant type: single nucleotide variant.
Coding change: c.*3973T>A on transcript NM_003590.5 (MANE Select); 3973 bases downstream of the stop codon, T replaced by A.
Molecular consequence: 3 prime UTR variant.
Genome position (GRCh38, 1-based): chr2:224,470,272, A>T on the plus strand (T>A on the coding strand, the complement: CUL3 is on the minus strand). VCF-style: chr2-224470272-A-T. GRCh37 (hg19) VCF-style: chr2-225334989-A-T.
Other names: c.*3973T>A (NM_001257197.2, NM_001257198.2).
Identifiers: ClinVar variation 898154 (VCV000898154.4), dbSNP rs187193598, ClinGen allele CA65898004.
Genomic context (GRCh38, chr2:224,470,272, plus strand): 5'-TTAGTTGAACTGTCCTGTTATTAAAATCTTGAAATTTGACAATTTCATTGTTACTAAAAA[A>T]TACACGTTTACTTTGAGCTGCTCATGTATAATTTTAAAGCTATTTTTGCATGGCTCACTC-3'